The following is an entry in ClinVar:

NM_000426.4(LAMA2):c.3371_3372delinsC (p.Lys1124fs)

Gene: LAMA2 (laminin subunit alpha 2; plus strand). Cytogenetic location: 6q22.33.
Variant type: Indel.
Coding change: c.3371_3372delinsC on transcript NM_000426.4 (MANE Select); coding-DNA positions 3371 to 3372, AA replaced by C.
Protein change: p.Lys1124fs; shifts the reading frame from lysine 1124.
Molecular consequence: frameshift variant.
Genome position (GRCh38, 1-based): chr6:129,313,057-129,313,058, AA replaced by C. VCF-style: chr6-129313057-AA-C. GRCh37 (hg19) VCF-style: chr6-129634202-AA-C.
Other names: c.3371_3372delinsC, p.Lys1124fs (NM_001079823.2); short protein forms K1124fs.
Identifiers: ClinVar variation 5015690 (VCV005015690.1).

ClinVar aggregate classification (germline): Pathogenic (1 of 4 stars; one submission).

Conditions:
LAMA2-related muscular dystrophy (LAMA2-RD). Also called: Laminin alpha 2-related dystrophy. Identifiers: MedGen C5679788, MONDO:0100228.

Submission:

Myriad Genetics, Inc.
Classification: Pathogenic for LAMA2-related muscular dystrophy. Last evaluated: 2026-03-18. Review status: criteria provided, single submitter. Criteria: Myriad Autosomal Dominant, Autosomal Recessive and X-Linked Classification Criteria (2023). Collection method: clinical testing. Allele origin: unknown.
Comment: NM_000426.3(LAMA2):c.3371_3372delAAinsC(K1124Tfs*15) is expected to be pathogenic in the context of muscular dystrophy, LAMA2-related. This variant is predicted to lead to an abnormal or absent protein product due to the creation of a premature termination codon in LAMA2, a gene where loss-of-function variants are known to be pathogenic. Please note: this variant was assessed in the context of healthy population screening.